The following is an entry in ClinVar:

ClinVar aggregate classification (germline): Uncertain significance (1 of 4 stars; one submission).

gnomAD v4.1: 1 of 1,612,724 alleles (0.000062%); highest among the groups gnomAD compares: African/African-American, 0.0013%; no homozygotes.

Submission:

Labcorp Genetics (formerly Invitae), Labcorp
Classification: Uncertain significance. Last evaluated: 2025-09-20. Review status: criteria provided, single submitter. Criteria: Invitae Variant Classification Sherloc (09022015). Collection method: clinical testing. Allele origin: germline.
Comment: This sequence change replaces proline, which is neutral and non-polar, with serine, which is neutral and polar, at codon 264 of the LONP1 protein (p.Pro264Ser). This variant is not present in population databases (gnomAD no frequency). This variant has not been reported in the literature in individuals affected with LONP1-related conditions. Invitae Evidence Modeling of protein sequence and biophysical properties (such as structural, functional, and spatial information, amino acid conservation, physicochemical variation, residue mobility, and thermodynamic stability) indicates that this missense variant is not expected to disrupt LONP1 protein function with a negative predictive value of 95%. In summary, the available evidence is currently insufficient to determine the role of this variant in disease. Therefore, it has been classified as a Variant of Uncertain Significance.

NM_004793.4(LONP1):c.790C>T (p.Pro264Ser)

Gene: LONP1 (lon peptidase 1, mitochondrial; minus strand). Cytogenetic location: 19p13.3.
Variant type: single nucleotide variant.
Coding change: c.790C>T on transcript NM_004793.4 (MANE Select); coding-DNA position 790, C replaced by T.
Protein change: p.Pro264Ser; replaces proline 264 with serine.
Molecular consequence: missense variant. On other transcripts: non-coding transcript variant (1).
Genome position (GRCh38, 1-based): chr19:5,711,851, G>A on the plus strand (C>T on the coding strand, the complement: LONP1 is on the minus strand). VCF-style: chr19-5711851-G-A. GRCh37 (hg19) VCF-style: chr19-5711862-G-A.
Other names: c.598C>T, p.Pro200Ser (NM_001276479.2); c.202C>T, p.Pro68Ser (NM_001276480.1); short protein forms P200S, P68S, P264S.
Identifiers: ClinVar variation 4780288 (VCV004780288.1).